The following is an entry in ClinVar:

NM_024422.6(DSC2):c.2087C>T (p.Ala696Val)

Gene: DSC2 (desmocollin 2; minus strand). Cytogenetic location: 18q12.1.
Variant type: single nucleotide variant.
Coding change: c.2087C>T on transcript NM_024422.6 (MANE Select); coding-DNA position 2087, C replaced by T.
Protein change: p.Ala696Val; replaces alanine 696 with valine.
Molecular consequence: missense variant.
Genome position (GRCh38, 1-based): chr18:31,071,643, G>A on the plus strand (C>T on the coding strand, the complement: DSC2 is on the minus strand). VCF-style: chr18-31071643-G-A. GRCh37 (hg19) VCF-style: chr18-28651609-G-A.
Other names: c.1658C>T, p.Ala553Val (NM_001406506.1, NM_001406507.1); c.2087C>T, p.Ala696Val (NM_004949.5); short protein forms A553V, A696V.
Identifiers: ClinVar variation 4757459 (VCV004757459.1).
Genomic context (GRCh38, chr18:31,071,643, plus strand): 5'-CAAGAAAGGACTTAAGACTTACAAAAGAGCAATGCTATGCCCAACAATATTGCAAGGATG[G>A]CCCACTTTCCAAGTTGTACTCCTCCACCGCCAATCCTTGGATCTACACGATGTGTGCAGT-3'
Protein context (NP_077740.1, residues 686-706): GGGGVQLGKW[Ala696Val]ILAILLGIAL

ClinVar aggregate classification (germline): Uncertain significance (1 of 4 stars; one submission).

Conditions:
Cardiomyopathy (CMYO). Also called: Cardiomyopathies. Identifiers: Orphanet 167848, MedGen C0878544, MONDO:0004994, HP:0001638. Inheritance: Various modes of inheritance.

Submission:

Color Diagnostics, LLC DBA Color Health
Classification: Uncertain significance for Cardiomyopathy. Last evaluated: 2025-06-30. Review status: criteria provided, single submitter. Criteria: ACMG Guidelines, 2015. Collection method: clinical testing. Allele origin: germline.
Comment: This missense variant replaces alanine with valine at codon 696 of the DSC2 protein. Computational prediction suggests that this variant may not impact protein structure and function. To our knowledge, functional studies have not been reported for this variant. This variant has not been reported in individuals affected with DSC2-related disorders in the literature. This variant has not been identified in the general population by the Genome Aggregation Database (gnomAD). The available evidence is insufficient to determine the role of this variant in disease conclusively. Therefore, this variant is classified as a Variant of Uncertain Significance.